The following is an entry in ClinVar:

GRCh38/hg38 14q11.2(chr14:22021664-22592708)x1

Genes: DAD1 (defender against cell death 1; minus strand), LINC02332 (long independently transcribed non-coding RNA 2332; minus strand), TRA (T cell receptor alpha locus; plus strand), TRAC (T cell receptor alpha constant; plus strand), TRAJ1 (T cell receptor alpha joining 1 (non-functional); plus strand) and 120 more. Cytogenetic location: 14q11.2.
Variant type: copy number loss.
Change: copy number 1 (one copy instead of two) of chr14:22,021,664-22,592,708 (571.0 kb, GRCh38 coordinates, 1-based), cytogenetic band 14q11.2.
Identifiers: ClinVar variation 59814 (VCV000059814.1).

ClinVar aggregate classification (germline): Benign (1 of 4 stars; one submission).

Submission:

ISCA site 14
Classification: Benign. Last evaluated: 2011-08-12. Review status: criteria provided, single submitter. Criteria: Kaminsky et al. (Genet Med. 2011). Collection method: clinical testing. Allele origin: unknown. Affected: yes. Observed: 1 variant allele.
Comment: Copy number variation identified through the course of routine clinical cytogenomic testing in postnatal populations. Clinical assertions have been curated as described in Kaminsky et al. 2011.